The following is an entry in ClinVar:

NM_000188.3(HK1):c.690C>T (p.Ile230=)

Gene: HK1 (hexokinase 1; plus strand). Cytogenetic location: 10q22.1.
Variant type: single nucleotide variant.
Coding change: c.690C>T on transcript NM_000188.3 (MANE Select); coding-DNA position 690, C replaced by T.
Protein change: p.Ile230=; no amino-acid change (isoleucine 230 retained).
Molecular consequence: synonymous variant.
Genome position (GRCh38, 1-based): chr10:69,369,335, C>T. VCF-style: chr10-69369335-C-T. GRCh37 (hg19) VCF-style: chr10-71129091-C-T.
Other names: c.702C>T, p.Ile234= (NM_001322364.2, NM_001358263.1, NM_033497.3 and 1 more transcripts); c.795C>T, p.Ile265= (NM_001322365.2); c.606C>T, p.Ile202= (NM_001322366.1); c.594C>T, p.Ile198= (NM_001322367.1); c.687C>T, p.Ile229= (NM_033496.3); c.654C>T, p.Ile218= (NM_033500.2).
Identifiers: ClinVar variation 837255 (VCV000837255.9), dbSNP rs760908739, ClinGen allele CA5532403.
Genomic context (GRCh38, chr10:69,369,335, plus strand): 5'-AGTGGGCACCATGATGACCTGTGGCTATGACGACCAGCACTGTGAAGTCGGCCTGATCAT[C>T]GGTAATGCATTCCCCTTTGCCCATCCATTTGTTCGGCCCATCTTTCCAGGTGGCTCTGCA-3'
Protein context (NP_000179.2, residues 220-240): DDQHCEVGLI[Ile230=]GTGTNACYME

ClinVar aggregate classification (germline): Uncertain significance (1 of 4 stars; one submission).

Allele frequency attached by ClinVar (database versions not stated): gnomAD 0.00001; gnomAD exomes 0.00001 and 0.00002; TOPMed 0.00001; ExAC 0.00002.
gnomAD v4.1: 16 of 1,613,788 alleles (0.00099%); highest among the groups gnomAD compares: East Asian, 0.0022%; no homozygotes.

Submission:

Labcorp Genetics (formerly Invitae), Labcorp
Classification: Uncertain significance. Last evaluated: 2025-06-19. Review status: criteria provided, single submitter. Criteria: Invitae Variant Classification Sherloc (09022015). Collection method: clinical testing. Allele origin: germline.
Comment: This sequence change affects codon 230 of the HK1 mRNA. It is a 'silent' change, meaning that it does not change the encoded amino acid sequence of the HK1 protein. It affects a nucleotide within the consensus splice site. This variant is present in population databases (rs760908739, gnomAD 0.003%). This variant has been observed in individual(s) with clinical features of HK1 related conditions (internal data). ClinVar contains an entry for this variant (Variation ID: 837255). Variants that disrupt the consensus splice site are a relatively common cause of aberrant splicing (PMID: 17576681, 9536098). Algorithms developed to predict the effect of sequence changes on RNA splicing suggest that this variant is not likely to affect RNA splicing. In summary, the available evidence is currently insufficient to determine the role of this variant in disease. Therefore, it has been classified as a Variant of Uncertain Significance.

Literature cited by the submitters: PubMed 17576681; PubMed 9536098.